The following is an entry in ClinVar:

ClinVar aggregate classification (germline): Uncertain significance (1 of 4 stars; one submission).

Submission:

Labcorp Genetics (formerly Invitae), Labcorp
Classification: Uncertain significance. Last evaluated: 2022-07-22. Review status: criteria provided, single submitter. Criteria: Invitae Variant Classification Sherloc (09022015). Collection method: clinical testing. Allele origin: germline.
Comment: Algorithms developed to predict the effect of missense changes on protein structure and function (SIFT, PolyPhen-2, Align-GVGD) all suggest that this variant is likely to be disruptive. In summary, the available evidence is currently insufficient to determine the role of this variant in disease. Therefore, it has been classified as a Variant of Uncertain Significance. This variant has not been reported in the literature in individuals affected with CAD-related conditions. This variant is not present in population databases (gnomAD no frequency). This sequence change replaces glycine, which is neutral and non-polar, with alanine, which is neutral and non-polar, at codon 445 of the CAD protein (p.Gly445Ala).

NM_004341.5(CAD):c.1334G>C (p.Gly445Ala)

Gene: CAD (carbamoyl-phosphate synthetase 2, aspartate transcarbamylase, and dihydroorotase; plus strand). Cytogenetic location: 2p23.3.
Variant type: single nucleotide variant.
Coding change: c.1334G>C on transcript NM_004341.5 (MANE Select); coding-DNA position 1334, G replaced by C.
Protein change: p.Gly445Ala; replaces glycine 445 with alanine.
Molecular consequence: missense variant.
Genome position (GRCh38, 1-based): chr2:27,224,824, G>C. VCF-style: chr2-27224824-G-C. GRCh37 (hg19) VCF-style: chr2-27447692-G-C.
Other names: c.1334G>C, p.Gly445Ala (NM_001306079.2); short protein forms G445A.
Identifiers: ClinVar variation 1722262 (VCV001722262.5), dbSNP rs780755058, ClinGen allele CA346204430.